The following is an entry in ClinVar:

ClinVar aggregate classification (germline): Uncertain significance (1 of 4 stars; one submission).

Allele frequency attached by ClinVar (database versions not stated): gnomAD 0.00001; gnomAD exomes 0.00001; TOPMed 0.00002.
gnomAD v4.1: 14 of 1,611,670 alleles (0.00087%); highest among the groups gnomAD compares: African/African-American, 0.0013%; no homozygotes.

Submission:

Labcorp Genetics (formerly Invitae), Labcorp
Classification: Uncertain significance. Last evaluated: 2022-10-01. Review status: criteria provided, single submitter. Criteria: Invitae Variant Classification Sherloc (09022015). Collection method: clinical testing. Allele origin: germline.
Comment: This sequence change replaces arginine, which is basic and polar, with cysteine, which is neutral and slightly polar, at codon 511 of the RASA2 protein (p.Arg511Cys). This variant is not present in population databases (gnomAD no frequency). This missense change has been observed in individual(s) with clinical features of Noonan syndrome (PMID: 25049390). Advanced modeling of protein sequence and biophysical properties (such as structural, functional, and spatial information, amino acid conservation, physicochemical variation, residue mobility, and thermodynamic stability) performed at Invitae indicates that this missense variant is expected to disrupt RASA2 protein function. Experimental studies have shown that this missense change affects RASA2 function (PMID: 25049390). In summary, the available evidence is currently insufficient to determine the role of this variant in disease. Therefore, it has been classified as a Variant of Uncertain Significance.

Literature cited by the submitters: PubMed 25049390.

NM_006506.5(RASA2):c.1531C>T (p.Arg511Cys)

Gene: RASA2 (RAS p21 protein activator 2; plus strand). Cytogenetic location: 3q23.
Variant type: single nucleotide variant.
Coding change: c.1531C>T on transcript NM_006506.5 (MANE Select); coding-DNA position 1531, C replaced by T.
Protein change: p.Arg511Cys; replaces arginine 511 with cysteine.
Molecular consequence: missense variant.
Genome position (GRCh38, 1-based): chr3:141,577,047, C>T. VCF-style: chr3-141577047-C-T. GRCh37 (hg19) VCF-style: chr3-141295889-C-T.
Other names: c.1531C>T, p.Arg511Cys (NM_001303245.3, NM_001303246.3); short protein forms R511C.
Identifiers: ClinVar variation 2044375 (VCV002044375.4), dbSNP rs866223197, ClinGen allele CA84650326.